The following is an entry in ClinVar:

ClinVar aggregate classification (germline): Uncertain significance (1 of 4 stars; one submission).

Allele frequency attached by ClinVar (database versions not stated): TOPMed 0.00001.

Submission:

Labcorp Genetics (formerly Invitae), Labcorp
Classification: Uncertain significance. Last evaluated: 2025-06-12. Review status: criteria provided, single submitter. Criteria: Invitae Variant Classification Sherloc (09022015). Collection method: clinical testing. Allele origin: germline.
Comment: This sequence change replaces glutamine, which is neutral and polar, with glutamic acid, which is acidic and polar, at codon 860 of the XPO5 protein (p.Gln860Glu). This variant is not present in population databases (gnomAD no frequency). This variant has not been reported in the literature in individuals affected with XPO5-related conditions. ClinVar contains an entry for this variant (Variation ID: 1503372). An algorithm developed to predict the effect of missense changes on protein structure and function (PolyPhen-2) suggests that this variant is likely to be tolerated. In summary, the available evidence is currently insufficient to determine the role of this variant in disease. Therefore, it has been classified as a Variant of Uncertain Significance.

NM_020750.3(XPO5):c.2578C>G (p.Gln860Glu)

Genes: POLR1C (RNA polymerase I and III subunit C; plus strand), XPO5 (exportin 5; minus strand). Cytogenetic location: 6p21.1.
Variant type: single nucleotide variant.
Coding change: c.2578C>G on transcript NM_020750.3 (MANE Select); coding-DNA position 2578, C replaced by G.
Protein change: p.Gln860Glu; replaces glutamine 860 with glutamic acid.
Molecular consequence: missense variant. On other transcripts: non-coding transcript variant (1), intron variant (1).
Genome position (GRCh38, 1-based): chr6:43,530,787, G>C on the plus strand (C>G on the coding strand, the complement: XPO5 is on the minus strand). VCF-style: chr6-43530787-G-C. GRCh37 (hg19) VCF-style: chr6-43498525-G-C.
Other names: c.922+9739G>C (NM_001363658.2); short protein forms Q860E.
Identifiers: ClinVar variation 1503372 (VCV001503372.8), dbSNP rs1254377776, ClinGen allele CA364292284.